The following is an entry in ClinVar:

NM_001256789.3(CACNA1F):c.382-3dup

Gene: CACNA1F (calcium voltage-gated channel subunit alpha1 F; minus strand). Cytogenetic location: Xp11.23.
Variant type: Duplication.
Coding change: c.382-3dup on transcript NM_001256789.3 (MANE Select); 3 bases into the intron before coding-DNA position 382, one base duplicated (C; older notation c.382-3dupC).
Molecular consequence: intron variant.
Genome position (GRCh38, 1-based): chrX:49,230,992, G duplicated on the plus strand (C on the coding strand, the reverse complement: CACNA1F is on the minus strand); the first of 5 consecutive G bases (chrX:49,230,992-49,230,996); duplicating any one gives the same sequence. VCF-style (leftmost placement, unchanged base first): chrX-49230991-T-TG. GRCh37 (hg19) VCF-style: chrX-49087453-T-TG.
Other names: c.382-3dup (NM_005183.4); c.187-3dup (NM_001256790.3).
Identifiers: ClinVar variation 3030678 (VCV003030678.2), dbSNP rs2065872593, ClinGen allele CA641903073.
Genomic context (GRCh38, chrX:49,230,991, plus strand): 5'-ACGATCTTGAGCACCGTCTCCACAGTGAAAATCACCAGGAATACGTACTCCACCTGCTCC[T>TG]GGGGGTGGGACCGGGGGGCGGGTCGGGAAGTCGAGGAGTTATTTGAAGGCGAGGTTTGAC-3'

ClinVar aggregate classification (germline): Likely benign (0 of 4 stars; one submission).

Conditions:
CACNA1F-related disorder. Also called: CACNA1F-related condition.

Submission:

PreventionGenetics, part of Exact Sciences
Classification: Likely benign for CACNA1F-related condition. Last evaluated: 2024-09-16. Review status: no assertion criteria provided. Collection method: clinical testing. Allele origin: germline.
Comment: This variant is classified as likely benign based on ACMG/AMP sequence variant interpretation guidelines (Richards et al. 2015 PMID: 25741868, with internal and published modifications).